The following is an entry in ClinVar:

NM_000441.2(SLC26A4):c.1252G>T (p.Gly418Ter)

Gene: SLC26A4 (solute carrier family 26 member 4; plus strand). Cytogenetic location: 7q22.3.
Variant type: single nucleotide variant.
Coding change: c.1252G>T on transcript NM_000441.2 (MANE Select); coding-DNA position 1252, G replaced by T.
Protein change: p.Gly418Ter; replaces glycine 418 with a stop codon.
Molecular consequence: nonsense.
Genome position (GRCh38, 1-based): chr7:107,690,226, G>T. VCF-style: chr7-107690226-G-T. GRCh37 (hg19) VCF-style: chr7-107330671-G-T.
Other names: short protein forms G418*.
Identifiers: ClinVar variation 1725898 (VCV001725898.2), dbSNP rs1376210516, ClinGen allele CA368839317.

ClinVar aggregate classification (germline): Likely pathogenic (1 of 4 stars; one submission).

Conditions:
Pendred syndrome (PDS). Also called: THYROID DYSHORMONOGENESIS 2B; THYROID HORMONOGENESIS, GENETIC DEFECT IN, 2B; DEAFNESS WITH GOITER; GOITER-DEAFNESS SYNDROME; HYPOTHYROIDISM, CONGENITAL, DUE TO DYSHORMONOGENESIS, 2B; Pendred's syndrome. Identifiers: Orphanet 705, MedGen C0271829, MONDO:0010134, OMIM 274600.

Submission:

Myriad Genetics, Inc.
Classification: Likely pathogenic for Pendred syndrome. Last evaluated: 2021-12-08. Review status: criteria provided, single submitter. Criteria: Myriad Women's Health Autosomal Recessive and X-Linked Classification Criteria (2021). Collection method: clinical testing. Allele origin: unknown.
Comment: NM_000441.1(SLC26A4):c.1252G>T(G418*) is expected to be pathogenic in the context of Pendred syndrome. This variant is predicted to lead to an abnormal or absent protein product due to the creation of a premature termination codon in SLC26A4, a gene where loss-of-function variants are known to be pathogenic. Please note: this variant was assessed in the context of healthy population screening.